The following is an entry in ClinVar:

NM_006516.4(SLC2A1):c.1454C>T (p.Pro485Leu)

Gene: SLC2A1 (solute carrier family 2 member 1; minus strand). Cytogenetic location: 1p34.2.
Variant type: single nucleotide variant.
Coding change: c.1454C>T on transcript NM_006516.4 (MANE Select); coding-DNA position 1454, C replaced by T.
Protein change: p.Pro485Leu; replaces proline 485 with leucine.
Molecular consequence: missense variant.
Genome position (GRCh38, 1-based): chr1:42,927,066, G>A on the plus strand (C>T on the coding strand, the complement: SLC2A1 is on the minus strand). VCF-style: chr1-42927066-G-A. GRCh37 (hg19) VCF-style: chr1-43392737-G-A.
Other names: NP_006507.2:p.(Pro485Leu); short protein forms P485L.
Identifiers: ClinVar variation 871442 (VCV000871442.48), dbSNP rs1159593580, ClinGen allele CA339952336.

ClinVar aggregate classification (germline): Pathogenic/Likely pathogenic. Review status: criteria provided, multiple submitters, no conflicts (2 of 4 stars). 4 submissions from 4 submitters: Pathogenic (3); Likely pathogenic (1). Last evaluated 2024-10-22.

Conditions:
Encephalopathy due to GLUT1 deficiency. Also called: GLUT1 deficiency syndrome 1, infantile onset, severe; Glucose transporter protein syndrome; GLUT1 deficiency syndrome 1; Classic Glucose Transporter Type 1 Deficiency Syndrome; De Vivo disease; GLUCOSE TRANSPORT DEFECT, BLOOD-BRAIN BARRIER. Identifiers: Orphanet 71277, MedGen C4551966, MONDO:0011724, OMIM 606777.
GLUT1 deficiency syndrome 1, autosomal recessive. Identifiers: MedGen C3149117.
Epileptic encephalopathy. Identifiers: MedGen C0543888, HP:0200134.

Allele frequency attached by ClinVar (database versions not stated): gnomAD 0.00001.
gnomAD v4.1: 1 of 1,614,032 alleles (0.000062%); highest among the groups gnomAD compares: African/African-American, 0.0013%; no homozygotes.

Submissions (4):

Labcorp Genetics (formerly Invitae), Labcorp
Classification: Pathogenic for GLUT1 deficiency syndrome 1, autosomal recessive. Last evaluated: 2024-10-22. Review status: criteria provided, single submitter. Criteria: Invitae Variant Classification Sherloc (09022015). Collection method: clinical testing. Allele origin: germline.
Comment: This sequence change replaces proline, which is neutral and non-polar, with leucine, which is neutral and non-polar, at codon 485 of the SLC2A1 protein (p.Pro485Leu). This variant is not present in population databases (gnomAD no frequency). This missense change has been observed in individual(s) with GLUT1-deficiency syndrome (PMID: 18387950, 19237265, 20129935, 32802945). In at least one individual the variant was observed to be de novo. ClinVar contains an entry for this variant (Variation ID: 871442). Invitae Evidence Modeling of protein sequence and biophysical properties (such as structural, functional, and spatial information, amino acid conservation, physicochemical variation, residue mobility, and thermodynamic stability) indicates that this missense variant is not expected to disrupt SLC2A1 protein function with a negative predictive value of 95%. Experimental studies have shown that this missense change affects SLC2A1 function (PMID: 30197081). For these reasons, this variant has been classified as Pathogenic.

Unidad de Genómica Garrahan, Hospital de Pediatría Garrahan
Classification: Likely pathogenic for Epileptic encephalopathy. Last evaluated: 2024-01-01. Review status: criteria provided, single submitter. Criteria: ACMG Guidelines, 2015. Collection method: clinical testing. Allele origin: germline. Affected: yes. Observed: 1 variant allele.
Comment: ACMG/AMP criteria applied: PS2_moderate, PS3_supporting, PM2_supporting, PP2_supporting, PP4_supporting.

Genome-Nilou Lab
Classification: Pathogenic for Encephalopathy due to GLUT1 deficiency. Last evaluated: 2023-04-11. Review status: criteria provided, single submitter. Criteria: ACMG Guidelines, 2015. Collection method: clinical testing. Allele origin: germline. Affected: no.

CeGaT Center for Human Genetics Tuebingen
Classification: Pathogenic. Last evaluated: 2019-04-01. Review status: criteria provided, single submitter. Criteria: CeGaT Center For Human Genetics Tuebingen Variant Classification Criteria Version 2. Collection method: clinical testing. Allele origin: germline. Affected: yes. Observed: 2 variant alleles.

Literature cited by the submitters: PubMed 18387950 (cited by Labcorp Genetics (formerly Invitae), Labcorp); PubMed 19237265 (cited by Labcorp Genetics (formerly Invitae), Labcorp); PubMed 20129935 (cited by Labcorp Genetics (formerly Invitae), Labcorp); PubMed 32802945 (cited by Labcorp Genetics (formerly Invitae), Labcorp); PubMed 30197081 (cited by Labcorp Genetics (formerly Invitae), Labcorp).